The following is an entry in ClinVar:

NM_001288705.3(CSF1R):c.2245C>T (p.Pro749Ser)

Gene: CSF1R (colony stimulating factor 1 receptor; minus strand). Cytogenetic location: 5q32.
Variant type: single nucleotide variant.
Coding change: c.2245C>T on transcript NM_001288705.3 (MANE Select); coding-DNA position 2245, C replaced by T.
Protein change: p.Pro749Ser; replaces proline 749 with serine.
Molecular consequence: missense variant. On other transcripts: non-coding transcript variant (2).
Genome position (GRCh38, 1-based): chr5:150,057,361, G>A on the plus strand (C>T on the coding strand, the complement: CSF1R is on the minus strand). VCF-style: chr5-150057361-G-A. GRCh37 (hg19) VCF-style: chr5-149436924-G-A.
Other names: c.2245C>T, p.Pro749Ser (NM_001349736.2, NM_001375320.1, NM_005211.4); c.1801C>T, p.Pro601Ser (NM_001375321.1); short protein forms P601S, P749S.
Identifiers: ClinVar variation 2115716 (VCV002115716.4), dbSNP rs373083937, ClinGen allele CA129104076.

ClinVar aggregate classification (germline): Uncertain significance (1 of 4 stars; one submission).

Allele frequency attached by ClinVar (database versions not stated): gnomAD exomes below 0.00001; gnomAD 0.00001.
gnomAD v4.1: 2 of 1,613,934 alleles (0.00012%); highest among the groups gnomAD compares: Non-Finnish European, 0.00017%; no homozygotes.

Submission:

Labcorp Genetics (formerly Invitae), Labcorp
Classification: Uncertain significance. Last evaluated: 2022-03-25. Review status: criteria provided, single submitter. Criteria: Invitae Variant Classification Sherloc (09022015). Collection method: clinical testing. Allele origin: germline.
Comment: In summary, the available evidence is currently insufficient to determine the role of this variant in disease. Therefore, it has been classified as a Variant of Uncertain Significance. Advanced modeling of protein sequence and biophysical properties (such as structural, functional, and spatial information, amino acid conservation, physicochemical variation, residue mobility, and thermodynamic stability) performed at Invitae indicates that this missense variant is not expected to disrupt CSF1R protein function. This variant has not been reported in the literature in individuals affected with CSF1R-related conditions. This variant is not present in population databases (gnomAD no frequency). This sequence change replaces proline, which is neutral and non-polar, with serine, which is neutral and polar, at codon 749 of the CSF1R protein (p.Pro749Ser).